The following is an entry in ClinVar:

ClinVar aggregate classification (germline): Likely benign (1 of 4 stars; one submission).

Conditions:
Fanconi anemia complementation group C (FANCC). Also called: FANCONI PANCYTOPENIA, TYPE 3; FACC; Fanconi anemia, group C; FANCC-Related Fanconi Anemia. Identifiers: Orphanet 84, MedGen C3468041, MONDO:0009213, OMIM 227645.

Allele frequency attached by ClinVar (database versions not stated): gnomAD 0.00002 and 0.00013; TOPMed 0.00003; gnomAD exomes 0.00004; 1000 Genomes Project 30x 0.00172; 1000 Genomes Project 0.00180.
gnomAD v4.1: 22 of 226,710 alleles (0.0097%); highest among the groups gnomAD compares: South Asian, 0.33%; no homozygotes.

Submission:

Illumina Laboratory Services, Illumina
Classification: Likely benign for Fanconi anemia complementation group C. Last evaluated: 2018-01-12. Review status: criteria provided, single submitter. Criteria: ICSL Variant Classification Criteria 13 December 2019. Collection method: clinical testing. Allele origin: germline.
Comment: This variant was observed in the ICSL laboratory as part of a predisposition screen in an ostensibly healthy population. It had not been previously curated by ICSL or reported in the Human Gene Mutation Database (HGMD: prior to June 1st, 2018), and was therefore a candidate for classification through an automated scoring system. Utilizing variant allele frequency, disease prevalence and penetrance estimates, and inheritance mode, an automated score was calculated to assess if this variant is too frequent to cause the disease. Based on the score and internal cut-off values, a variant classified as likely benign is not then subjected to further curation. The score for this variant resulted in a classification of likely benign for this disease.

NM_000136.3(FANCC):c.*2271G>A

Genes: AOPEP (aminopeptidase O (putative); plus strand), FANCC (FA complementation group C; minus strand). Cytogenetic location: 9q22.32.
Variant type: single nucleotide variant.
Coding change: c.*2271G>A on transcript NM_000136.3 (MANE Select); 2271 bases downstream of the stop codon, G replaced by A.
Molecular consequence: 3 prime UTR variant.
Genome position (GRCh38, 1-based): chr9:95,099,436, C>T on the plus strand (G>A on the coding strand, the complement: FANCC is on the minus strand). VCF-style: chr9-95099436-C-T. GRCh37 (hg19) VCF-style: chr9-97861718-C-T.
Other names: c.*2271G>A (NM_001243743.2).
Identifiers: ClinVar variation 367573 (VCV000367573.5), dbSNP rs562841213, ClinGen allele CA10627683.